The following is an entry in ClinVar:

ClinVar aggregate classification (germline): Uncertain significance (1 of 4 stars; one submission).

Allele frequency attached by ClinVar (database versions not stated): gnomAD exomes below 0.00001.
gnomAD v4.1: 1 of 1,613,964 alleles (0.000062%); highest among the groups gnomAD compares: South Asian, 0.0011%; no homozygotes.

Submission:

Labcorp Genetics (formerly Invitae), Labcorp
Classification: Uncertain significance. Last evaluated: 2022-11-22. Review status: criteria provided, single submitter. Criteria: Invitae Variant Classification Sherloc (09022015). Collection method: clinical testing. Allele origin: germline.
Comment: This sequence change replaces arginine, which is basic and polar, with histidine, which is basic and polar, at codon 3867 of the KMT2A protein (p.Arg3867His). This variant is not present in population databases (gnomAD no frequency). This variant has not been reported in the literature in individuals affected with KMT2A-related conditions. Advanced modeling of protein sequence and biophysical properties (such as structural, functional, and spatial information, amino acid conservation, physicochemical variation, residue mobility, and thermodynamic stability) has been performed at Invitae for this missense variant, however the output from this modeling did not meet the statistical confidence thresholds required to predict the impact of this variant on KMT2A protein function. In summary, the available evidence is currently insufficient to determine the role of this variant in disease. Therefore, it has been classified as a Variant of Uncertain Significance.

NM_001197104.2(KMT2A):c.11600G>A (p.Arg3867His)

Genes: KMT2A (lysine methyltransferase 2A; plus strand), TTC36-AS1 (TTC36 and KMT2A antisense RNA 1; minus strand). Cytogenetic location: 11q23.3.
Variant type: single nucleotide variant.
Coding change: c.11600G>A on transcript NM_001197104.2 (MANE Select); coding-DNA position 11600, G replaced by A.
Protein change: p.Arg3867His; replaces arginine 3867 with histidine.
Molecular consequence: missense variant.
Genome position (GRCh38, 1-based): chr11:118,521,374, G>A. VCF-style: chr11-118521374-G-A. GRCh37 (hg19) VCF-style: chr11-118392089-G-A.
Other names: c.11690G>A, p.Arg3897His (NM_001412597.1); c.11591G>A, p.Arg3864His (NM_005933.4); short protein forms R3867H, R3897H, R3864H.
Identifiers: ClinVar variation 2134310 (VCV002134310.4), dbSNP rs2135294477, ClinGen allele CA382835723.